The following is an entry in ClinVar:

NM_003242.6(TGFBR2):c.264-7A>G

Gene: TGFBR2 (transforming growth factor beta receptor 2; plus strand). Cytogenetic location: 3p24.1.
Variant type: single nucleotide variant.
Coding change: c.264-7A>G on transcript NM_003242.6 (MANE Select); 7 bases into the intron before coding-DNA position 264, A replaced by G.
Molecular consequence: intron variant.
Genome position (GRCh38, 1-based): chr3:30,650,263, A>G. VCF-style: chr3-30650263-A-G. GRCh37 (hg19) VCF-style: chr3-30691755-A-G.
Other names: c.159-7A>G (NM_001407129.1, NM_001407132.1, NM_001407136.1 and 3 more transcripts); c.339-7A>G (NM_001407126.1, NM_001024847.3, NM_001407139.1); c.170-21375A>G (NM_001407137.1); c.264-7A>G (NM_001407127.1, NM_001407130.1); c.95-21375A>G (NM_001407138.1); c.291-7A>G (NM_001407128.1).
Identifiers: ClinVar variation 701167 (VCV000701167.19), dbSNP rs1001983657, ClinGen allele CA71503185.

ClinVar aggregate classification (germline): Conflicting classifications of pathogenicity. Review status: criteria provided, conflicting classifications (1 of 4 stars). 7 submissions from 7 submitters: Uncertain significance (1); Likely benign (6). Last evaluated 2023-10-27.

Conditions:
Familial thoracic aortic aneurysm and aortic dissection (TAAD). Also called: Thoracic aortic aneurysms and dissections. Identifiers: Orphanet 91387, MedGen C4707243, MONDO:0019625.
Diabetic retinopathy. Identifiers: MedGen C0011884, MONDO:0005266.
Loeys-Dietz syndrome 2 (LDS2). Also called: TGFBR2-Related Loeys-Dietz Syndrome; AORTIC ANEURYSM, FAMILIAL THORACIC 3; MARFAN SYNDROME, TYPE II; Marfan syndrome, type 2 (formerly); Marfan Syndrome type 2; Marfan like connective tissue disorder. Identifiers: Orphanet 284973, Orphanet 558, MedGen C2674574, MONDO:0012427, OMIM 610168.

gnomAD v4.1: 6 of 1,613,278 alleles (0.00037%); highest among the groups gnomAD compares: Non-Finnish European, 0.00051%; no homozygotes.

Submissions (7):

All of Us Research Program, National Institutes of Health
Classification: Likely benign for Loeys-Dietz syndrome 2. Last evaluated: 2023-10-27. Review status: criteria provided, single submitter. Criteria: ACMG Guidelines, 2015. Collection method: clinical testing. Allele origin: germline. Inheritance: Autosomal dominant inheritance. Observed: 1 variant allele, 1 heterozygote.
Comment: This study involves interpretation of variants in research participants for the purpose of population health screening. Participant phenotype was not available at the time of variant classification. Additional details can be found in publication PMID: 35346344, PMCID: PMC8962531

ARUP Laboratories, Molecular Genetics and Genomics, ARUP Laboratories
Classification: Likely benign. Last evaluated: 2023-04-18. Review status: criteria provided, single submitter. Criteria: ARUP Molecular Germline Variant Investigation Process 2024. Collection method: clinical testing. Allele origin: germline.

Labcorp Genetics (formerly Invitae), Labcorp
Classification: Likely benign for Familial thoracic aortic aneurysm and aortic dissection. Last evaluated: 2022-08-19. Review status: criteria provided, single submitter. Criteria: Invitae Variant Classification Sherloc (09022015). Collection method: clinical testing. Allele origin: germline.

Color Diagnostics, LLC DBA Color Health
Classification: Likely benign for Familial thoracic aortic aneurysm and aortic dissection. Last evaluated: 2021-06-28. Review status: criteria provided, single submitter. Criteria: ACMG Guidelines, 2015. Collection method: clinical testing. Allele origin: germline.

Blueprint Genetics
Classification: Uncertain significance. Last evaluated: 2020-09-28. Review status: criteria provided, single submitter. Criteria: ACMG Guidelines, 2015. Collection method: clinical testing. Allele origin: germline.

GeneDx
Classification: Likely benign. Last evaluated: 2020-06-01. Review status: criteria provided, single submitter. Criteria: GeneDx Variant Classification Process June 2021. Collection method: clinical testing. Allele origin: germline. Affected: yes.

Clinical Genomics, Uppaluri K&H Personalized Medicine Clinic
Classification: Likely benign for Diabetic retinopathy. Review status: criteria provided, single submitter. Criteria: K And H Uppaluri Personalized Medicine Clinic Variant Classification And Assertion Criteria Updated V 2. Collection method: research. Allele origin: unknown.
Comment: Potent mutations in TGFBR2 gene encodes the transforming growth factor that have been associated with angiogenesis and diabetic retinopathy. More clinical studies are needed for stronger association. However, more evidence is required to confer the association of this particular variant rs1001983657 with diabetic retinopathy.

Literature cited by the submitters: PubMed 30222965 (cited by Clinical Genomics, Uppaluri K&H Personalized Medicine Clinic); PubMed 28162229 (cited by Clinical Genomics, Uppaluri K&H Personalized Medicine Clinic); PubMed 34572573 (cited by Clinical Genomics, Uppaluri K&H Personalized Medicine Clinic).